The following is an entry in ClinVar:

NM_000051.4(ATM):c.7969A>T (p.Lys2657Ter)

Genes: ATM (ATM serine/threonine kinase; plus strand), C11orf65 (chromosome 11 open reading frame 65; minus strand). Cytogenetic location: 11q22.3.
Variant type: single nucleotide variant.
Coding change: c.7969A>T on transcript NM_000051.4 (MANE Select); coding-DNA position 7969, A replaced by T.
Protein change: p.Lys2657Ter; replaces lysine 2657 with a stop codon.
Molecular consequence: nonsense. On other transcripts: intron variant (2).
Genome position (GRCh38, 1-based): chr11:108,333,927, A>T. VCF-style: chr11-108333927-A-T. GRCh37 (hg19) VCF-style: chr11-108204654-A-T.
Other names: c.7969A>T, p.Lys2657Ter (NM_001351834.2); c.641-24856T>A (NM_001330368.2); c.*38+1293T>A (NM_001351110.2); short protein forms K2657*.
Identifiers: ClinVar variation 4294194 (VCV004294194.1).

ClinVar aggregate classification (germline): Pathogenic (1 of 4 stars; one submission).

Conditions:
Familial cancer of breast. Also called: BREAST CANCER, FAMILIAL; Hereditary breast cancer; hereditary breast carcinoma. Identifiers: Orphanet 227535, MedGen C0346153, MONDO:0016419, OMIM 114480. Disease mechanism: loss of function.

gnomAD v4.1: 1 of 1,611,736 alleles (0.000062%); highest among the groups gnomAD compares: Non-Finnish European, 0.000085%; no homozygotes.

Submission:

Myriad Genetics, Inc.
Classification: Pathogenic for Familial cancer of breast. Last evaluated: 2025-07-14. Review status: criteria provided, single submitter. Criteria: Myriad Autosomal Dominant, Autosomal Recessive and X-Linked Classification Criteria (2023). Collection method: clinical testing. Allele origin: unknown.
Comment: This variant is considered pathogenic. This variant creates a termination codon and is predicted to result in premature protein truncation.